The following is an entry in ClinVar:

NM_012472.6(DNAAF11):c.10+6C>A

Gene: DNAAF11 (dynein axonemal assembly factor 11; minus strand). Cytogenetic location: 8q24.22.
Variant type: single nucleotide variant.
Coding change: c.10+6C>A on transcript NM_012472.6 (MANE Select); 6 bases into the intron after coding-DNA position 10, C replaced by A.
Molecular consequence: intron variant. On other transcripts: 5 prime UTR variant (4), non-coding transcript variant (5).
Genome position (GRCh38, 1-based): chr8:132,675,478, G>T on the plus strand (C>A on the coding strand, the complement: DNAAF11 is on the minus strand). VCF-style: chr8-132675478-G-T. GRCh37 (hg19) VCF-style: chr8-133687724-G-T.
Other names: c.-905C>A (NM_001321963.2); c.-1271C>A (NM_001321964.2); c.-1584C>A (NM_001321965.2); c.-555C>A (NM_001321966.2); c.10+6C>A (NM_001321962.2, NM_001321961.2).
Identifiers: ClinVar variation 1956248 (VCV001956248.2), dbSNP rs774104305, ClinGen allele CA585270808.
Genomic context (GRCh38, chr8:132,675,478, plus strand): 5'-CCCACGAGACCCGGGACTACTTCCACAAGGGGAACGATCGAGGACGGAAGGTGGAGGGGG[G>T]CTTACTCCAGCCCATGGCGCCTCTCCAGTTCGCTGACCCCGCAAGCCGGACCCGGACCTC-3'

ClinVar aggregate classification (germline): Uncertain significance (1 of 4 stars; one submission).

Conditions:
Primary ciliary dyskinesia 19. Also called: CILIARY DYSKINESIA, PRIMARY, 19, WITH OR WITHOUT SITUS INVERSUS. Identifiers: Orphanet 244, MedGen C3543826, MONDO:0013979, OMIM 614935.

Allele frequency attached by ClinVar (database versions not stated): gnomAD 0.00001; TOPMed 0.00001.
gnomAD v4.1: 6 of 1,566,522 alleles (0.00038%); highest among the groups gnomAD compares: Non-Finnish European, 0.00043%; no homozygotes.

Submission:

Labcorp Genetics (formerly Invitae), Labcorp
Classification: Uncertain significance for Primary ciliary dyskinesia 19. Last evaluated: 2022-08-18. Review status: criteria provided, single submitter. Criteria: Invitae Variant Classification Sherloc (09022015). Collection method: clinical testing. Allele origin: germline.
Comment: This sequence change falls in intron 1 of the LRRC6 gene. It does not directly change the encoded amino acid sequence of the LRRC6 protein. It affects a nucleotide within the consensus splice site. This variant is not present in population databases (gnomAD no frequency). This variant has not been reported in the literature in individuals affected with LRRC6-related conditions. Variants that disrupt the consensus splice site are a relatively common cause of aberrant splicing (PMID: 17576681, 9536098). Algorithms developed to predict the effect of sequence changes on RNA splicing suggest that this variant is not likely to affect RNA splicing. In summary, the available evidence is currently insufficient to determine the role of this variant in disease. Therefore, it has been classified as a Variant of Uncertain Significance.

Literature cited by the submitters: PubMed 17576681; PubMed 9536098.